The following is an entry in ClinVar:

ClinVar aggregate classification (germline): Uncertain significance (1 of 4 stars; one submission).

Conditions:
Mucopolysaccharidosis type 1. Also called: IDUA deficiency; MPS I. Identifiers: Orphanet 579, MedGen C0023786, MONDO:0001586.

Allele frequency attached by ClinVar (database versions not stated): gnomAD 0.00003 and 0.00004; gnomAD exomes 0.00004 and 0.00006; ExAC 0.00017.
gnomAD v4.1: 31 of 1,591,218 alleles (0.0019%); highest among the groups gnomAD compares: Non-Finnish European, 0.00085%; no homozygotes.

Submission:

Labcorp Genetics (formerly Invitae), Labcorp
Classification: Uncertain significance for Mucopolysaccharidosis type 1. Last evaluated: 2021-09-01. Review status: criteria provided, single submitter. Criteria: Invitae Variant Classification Sherloc (09022015). Collection method: clinical testing. Allele origin: germline.
Comment: This sequence change replaces serine with phenylalanine at codon 271 of the IDUA protein (p.Ser271Phe). The serine residue is weakly conserved and there is a large physicochemical difference between serine and phenylalanine. This variant is present in population databases (rs766950553, ExAC 0.03%). This variant has not been reported in the literature in individuals affected with IDUA-related conditions. Algorithms developed to predict the effect of missense changes on protein structure and function output the following: SIFT: "Tolerated"; PolyPhen-2: "Benign"; Align-GVGD: "Class C0". The phenylalanine amino acid residue is found in multiple mammalian species, which suggests that this missense change does not adversely affect protein function. In summary, the available evidence is currently insufficient to determine the role of this variant in disease. Therefore, it has been classified as a Variant of Uncertain Significance.

NM_000203.5(IDUA):c.812C>T (p.Ser271Phe)

Gene: IDUA (alpha-L-iduronidase; plus strand). Cytogenetic location: 4p16.3.
Variant type: single nucleotide variant.
Coding change: c.812C>T on transcript NM_000203.5 (MANE Select); coding-DNA position 812, C replaced by T.
Protein change: p.Ser271Phe; replaces serine 271 with phenylalanine.
Molecular consequence: missense variant. On other transcripts: non-coding transcript variant (1).
Genome position (GRCh38, 1-based): chr4:1,002,001, C>T. VCF-style: chr4-1002001-C-T. GRCh37 (hg19) VCF-style: chr4-995789-C-T.
Other names: c.416C>T, p.Ser139Phe (NM_001363576.1); short protein forms S139F, S271F.
Identifiers: ClinVar variation 640514 (VCV000640514.6), dbSNP rs766950553, ClinGen allele CA2802101.